The following is an entry in ClinVar:

NM_006767.4(LZTR1):c.1365C>A (p.Cys455Ter)

Gene: LZTR1 (leucine zipper like post translational regulator 1; plus strand). Cytogenetic location: 22q11.21.
Variant type: single nucleotide variant.
Coding change: c.1365C>A on transcript NM_006767.4 (MANE Select); coding-DNA position 1365, C replaced by A.
Protein change: p.Cys455Ter; replaces cysteine 455 with a stop codon.
Molecular consequence: nonsense.
Genome position (GRCh38, 1-based): chr22:20,993,935, C>A. VCF-style: chr22-20993935-C-A. GRCh37 (hg19) VCF-style: chr22-21348224-C-A.
Other names: c.1365C>A (NM_006767.3); short protein forms C455*.
Identifiers: ClinVar variation 2676418 (VCV002676418.7), dbSNP rs1386837360, ClinGen allele CA410775018.

ClinVar aggregate classification (germline): Pathogenic/Likely pathogenic. Review status: criteria provided, multiple submitters, no conflicts (2 of 4 stars). 5 submissions from 5 submitters: Pathogenic (2); Likely pathogenic (3). Last evaluated 2025-06-11.

Conditions:
Noonan syndrome 10 (NS10). Identifiers: Orphanet 648, MedGen C4225280, MONDO:0014693, OMIM 616564.
Noonan syndrome 2 (NS2). Identifiers: Orphanet 648, MedGen C1854469, MONDO:0011531, OMIM 605275.
LZTR1-related schwannomatosis. Also called: Schwannomatosis-2, susceptibility to; Schwannomatosis 2. Identifiers: Orphanet 93921, MedGen C3810283, MONDO:0014299, OMIM 615670.
Cardiovascular phenotype. Identifiers: MedGen CN230736.
Hereditary cancer-predisposing syndrome. Also called: Neoplastic Syndromes, Hereditary; Tumor predisposition; Hereditary Cancer Syndrome; Hereditary neoplastic syndrome. Identifiers: Orphanet 140162, MedGen C0027672, MeSH D009386, MONDO:0015356.

gnomAD v4.1: 2 of 1,611,988 alleles (0.00012%); highest among the groups gnomAD compares: East Asian, 0.0022%; no homozygotes.

Submissions (5):

GeneDx
Classification: Likely pathogenic. Last evaluated: 2025-06-11. Review status: criteria provided, single submitter. Criteria: GeneDx Variant Classification Process June 2021. Collection method: clinical testing. Allele origin: germline. Affected: yes.
Comment: Observed in individual(s) with multiple cafe-au-lait macules in published literature (PMID: 39140257); Not observed at significant frequency in large population cohorts (gnomAD); Nonsense variant predicted to result in protein truncation or nonsense mediated decay in a gene for which loss of function is a known mechanism of disease; This variant is associated with the following publications: (PMID: 39140257)

Labcorp Genetics (formerly Invitae), Labcorp
Classification: Pathogenic. Last evaluated: 2024-12-10. Review status: criteria provided, single submitter. Criteria: Invitae Variant Classification Sherloc (09022015). Collection method: clinical testing. Allele origin: germline.
Comment: This sequence change creates a premature translational stop signal (p.Cys455*) in the LZTR1 gene. It is expected to result in an absent or disrupted protein product. Loss-of-function variants in LZTR1 are known to be pathogenic (PMID: 24362817, 25335493, 25480913, 25795793, 29469822, 30368668, 30442762, 30442766, 30481304, 30859559). The frequency data for this variant in the population databases is considered unreliable, as metrics indicate poor data quality at this position in the gnomAD database. This variant has not been reported in the literature in individuals affected with LZTR1-related conditions. ClinVar contains an entry for this variant (Variation ID: 2676418). Algorithms developed to predict the effect of sequence changes on RNA splicing suggest that this variant may disrupt the consensus splice site. For these reasons, this variant has been classified as Pathogenic.

Ambry Genetics
Classification: Pathogenic for Cardiovascular phenotype; Hereditary cancer-predisposing syndrome. Last evaluated: 2024-03-06. Review status: criteria provided, single submitter. Criteria: Ambry Variant Classification Scheme 2023. Collection method: clinical testing. Allele origin: germline.
Comment: The p.C455* pathogenic mutation (also known as c.1365C>A), located in coding exon 13 of the LZTR1 gene, results from a C to A substitution at nucleotide position 1365. This changes the amino acid from a cysteine to a stop codon within coding exon 13. This alteration is expected to result in loss of function by premature protein truncation or nonsense-mediated mRNA decay. Loss-of-function variants in LZTR1 are related to an increased risk for schwannomas and autosomal recessive Noonan syndrome; however, such associations with autosomal dominant Noonan syndrome have not been observed (Piotrowski A et al. Nat Genet. 2014 Feb;46:182-7; Yamamoto GL et al. J Med Genet. 2015 Jun;52:413-21; Johnston JJ et al. Genet Med. 2018 10;20:1175-1185). Based on the supporting evidence, this variant is pathogenic for an increased risk of LZTR1-related schwannomatosis (SWN) and would be expected to cause autosomal recessive Noonan syndrome when present along with a second pathogenic or likely pathogenic variant on the other allele; however, the association of this alteration with autosomal dominant Noonan syndrome is unlikely.

Baylor Genetics
Classification: Likely pathogenic for LZTR1-related schwannomatosis. Last evaluated: 2022-08-11. Review status: criteria provided, single submitter. Criteria: ACMG Guidelines, 2015. Collection method: clinical testing. Allele origin: unknown.

Juno Genomics, Hangzhou Juno Genomics, Inc
Classification: Likely pathogenic for LZTR1-related schwannomatosis; Noonan syndrome 10; Noonan syndrome 2. Review status: criteria provided, single submitter. Criteria: ACMG Guidelines, 2015. Collection method: clinical testing. Allele origin: germline.
Comment: Null variant in a gene where loss of function (LOF) is a known mechanism of disease.;Absent from controls (or at extremely low frequency if recessive) in Genome Aggregation Database.

Literature cited by the submitters: PubMed 24362817 (cited by Labcorp Genetics (formerly Invitae), Labcorp); PubMed 25335493 (cited by Labcorp Genetics (formerly Invitae), Labcorp); PubMed 25480913 (cited by Labcorp Genetics (formerly Invitae), Labcorp); PubMed 25795793 (cited by Labcorp Genetics (formerly Invitae), Labcorp); PubMed 29469822 (cited by Labcorp Genetics (formerly Invitae), Labcorp); PubMed 30368668 (cited by Labcorp Genetics (formerly Invitae), Labcorp); PubMed 30442762 (cited by Labcorp Genetics (formerly Invitae), Labcorp); PubMed 30442766 (cited by Labcorp Genetics (formerly Invitae), Labcorp); PubMed 30481304 (cited by Labcorp Genetics (formerly Invitae), Labcorp); PubMed 30859559 (cited by Labcorp Genetics (formerly Invitae), Labcorp).